The following is an entry in ClinVar:

ClinVar aggregate classification (germline): Uncertain significance. Review status: criteria provided, multiple submitters, no conflicts (2 of 4 stars). 4 submissions from 4 submitters: Uncertain significance (4). Last evaluated 2025-09-10.

Conditions:
ABCA4-related disorder. Also called: ABCA4-related condition; ABCA4-related disorders. Identifiers: MedGen CN239167.
Inborn genetic diseases. Identifiers: MedGen C0950123, MeSH D030342.

Allele frequency attached by ClinVar (database versions not stated): gnomAD 0.00001 and 0.00002; gnomAD exomes 0.00001 and 0.00003; TOPMed 0.00001; ExAC 0.00004; 1000 Genomes Project 30x 0.00016; 1000 Genomes Project 0.00020.
gnomAD v4.1: 19 of 1,570,864 alleles (0.0012%); highest among the groups gnomAD compares: Admixed American, 0.0019%; no homozygotes.

Submissions (4):

Ambry Genetics
Classification: Uncertain significance for Inborn genetic diseases. Last evaluated: 2025-09-10. Review status: criteria provided, single submitter. Criteria: Ambry Variant Classification Scheme 2023. Collection method: clinical testing. Allele origin: germline.

Blueprint Genetics
Classification: Uncertain significance. Last evaluated: 2024-11-11. Review status: criteria provided, single submitter. Criteria: ACMG Guidelines, 2015. Collection method: clinical testing. Allele origin: germline.

CeGaT Center for Human Genetics Tuebingen
Classification: Uncertain significance. Last evaluated: 2023-10-01. Review status: criteria provided, single submitter. Criteria: CeGaT Center For Human Genetics Tuebingen Variant Classification Criteria Version 2. Collection method: clinical testing. Allele origin: germline. Affected: yes. Observed: 1 variant allele.
Comment: ABCA4: PM2

Illumina Laboratory Services, Illumina
Classification: Uncertain significance for ABCA4-Related Disorders. Last evaluated: 2018-01-12. Review status: criteria provided, single submitter. Criteria: ICSL Variant Classification Criteria 13 December 2019. Collection method: clinical testing. Allele origin: germline.

NM_000350.3(ABCA4):c.4510G>A (p.Glu1504Lys)

Gene: ABCA4 (ATP binding cassette subfamily A member 4; minus strand). Cytogenetic location: 1p22.1.
Variant type: single nucleotide variant.
Coding change: c.4510G>A on transcript NM_000350.3 (MANE Select); coding-DNA position 4510, G replaced by A.
Protein change: p.Glu1504Lys; replaces glutamic acid 1504 with lysine.
Molecular consequence: missense variant.
Genome position (GRCh38, 1-based): chr1:94,029,474, C>T on the plus strand (G>A on the coding strand, the complement: ABCA4 is on the minus strand). VCF-style: chr1-94029474-C-T. GRCh37 (hg19) VCF-style: chr1-94495030-C-T.
Other names: c.4288G>A, p.Glu1430Lys (NM_001425324.1); short protein forms E1504K, E1430K.
Identifiers: ClinVar variation 298238 (VCV000298238.32), dbSNP rs190370456, ClinGen allele CA957595.
Genomic context (GRCh38, chr1:94,029,474, plus strand): 5'-CCTGGGGCCCCGTTGTTTGGAGGTCAGGTACCTGGGGGGGCGGGAGGCCCCCGGCACCCT[C>T]GGGGCACTCTGGCAGCATGGTGAGCTTCTCCCTGGTGCTGCACCTGCAGGATGGTGAAGG-3'
Protein context (NP_000341.2, residues 1494-1514): EKLTMLPECP[Glu1504Lys]GAGGLPPPQR